The following is an entry in ClinVar:

NM_015466.4(PTPN23):c.3073G>A (p.Asp1025Asn)

Gene: PTPN23 (protein tyrosine phosphatase non-receptor type 23; plus strand). Cytogenetic location: 3p21.31.
Variant type: single nucleotide variant.
Coding change: c.3073G>A on transcript NM_015466.4 (MANE Select); coding-DNA position 3073, G replaced by A.
Protein change: p.Asp1025Asn; replaces aspartic acid 1025 with asparagine.
Molecular consequence: missense variant.
Genome position (GRCh38, 1-based): chr3:47,410,871, G>A. VCF-style: chr3-47410871-G-A. GRCh37 (hg19) VCF-style: chr3-47452361-G-A.
Other names: c.2695G>A, p.Asp899Asn (NM_001304482.2); short protein forms D1025N, D899N.
Identifiers: ClinVar variation 3656106 (VCV003656106.2).

ClinVar aggregate classification (germline): Uncertain significance (1 of 4 stars; one submission).

gnomAD v4.1: 1 of 1,604,296 alleles (0.000062%); highest among the groups gnomAD compares: Non-Finnish European, 0.000085%; no homozygotes.

Submission:

Labcorp Genetics (formerly Invitae), Labcorp
Classification: Uncertain significance. Last evaluated: 2024-06-10. Review status: criteria provided, single submitter. Criteria: Invitae Variant Classification Sherloc (09022015). Collection method: clinical testing. Allele origin: germline.
Comment: This sequence change replaces aspartic acid, which is acidic and polar, with asparagine, which is neutral and polar, at codon 1025 of the PTPN23 protein (p.Asp1025Asn). This variant is present in population databases (rs761360917, gnomAD 0.0009%). This variant has not been reported in the literature in individuals affected with PTPN23-related conditions. An algorithm developed to predict the effect of missense changes on protein structure and function (PolyPhen-2) suggests that this variant is likely to be disruptive. In summary, the available evidence is currently insufficient to determine the role of this variant in disease. Therefore, it has been classified as a Variant of Uncertain Significance.